The following is an entry in ClinVar:

ClinVar aggregate classification (germline): Benign/Likely benign. Review status: criteria provided, multiple submitters, no conflicts (2 of 4 stars). 4 submissions from 4 submitters: Benign (2); Likely benign (2). Last evaluated 2026-01-12.

Conditions:
Autoimmune lymphoproliferative syndrome type 2A (ALPS2A). Also called: CASP10-Related Autoimmune Lymphoproliferative Syndrome; AUTOIMMUNE LYMPHOPROLIFERATIVE SYNDROME, TYPE IIA; Autoimmune lymphoproliferative syndrome type 2. Identifiers: Orphanet 3261, MedGen C1858968, MONDO:0011383, OMIM 603909.

Allele frequency attached by ClinVar (database versions not stated): gnomAD 0.00226; TOPMed 0.00248; 1000 Genomes Project 0.00260; ESP Exome Variant Server 0.00292; 1000 Genomes Project 30x 0.00344.

Submissions (4):

Labcorp Genetics (formerly Invitae), Labcorp
Classification: Benign for Autoimmune lymphoproliferative syndrome type 2A. Last evaluated: 2026-01-12. Review status: criteria provided, single submitter. Criteria: Invitae Variant Classification Sherloc (09022015). Collection method: clinical testing. Allele origin: germline.

Mayo Clinic Laboratories, Mayo Clinic
Classification: Likely benign. Last evaluated: 2025-01-27. Review status: criteria provided, single submitter. Criteria: ACMG Guidelines, 2015. Collection method: clinical testing. Allele origin: germline. Observed: 2 variant alleles.
Comment: BP4, BP7

Blueprint Genetics
Classification: Likely benign. Last evaluated: 2024-10-02. Review status: criteria provided, single submitter. Criteria: ACMG Guidelines, 2015. Collection method: clinical testing. Allele origin: germline.

Illumina Laboratory Services, Illumina
Classification: Benign for Autoimmune lymphoproliferative syndrome type 2A. Last evaluated: 2018-01-12. Review status: criteria provided, single submitter. Criteria: ICSL Variant Classification Criteria 13 December 2019. Collection method: clinical testing. Allele origin: germline.
Comment: This variant was observed in the ICSL laboratory as part of a predisposition screen in an ostensibly healthy population. It had not been previously curated by ICSL or reported in the Human Gene Mutation Database (HGMD: prior to June 1st, 2018), and was therefore a candidate for classification through an automated scoring system. Utilizing variant allele frequency, disease prevalence and penetrance estimates, and inheritance mode, an automated score was calculated to assess if this variant is too frequent to cause the disease. Based on the score and internal cut-off values, a variant classified as benign is not then subjected to further curation. The score for this variant resulted in a classification of benign for this disease.

NM_032977.4(CASP10):c.534A>C (p.Val178=)

Gene: CASP10 (caspase 10; plus strand). Cytogenetic location: 2q33.1.
Variant type: single nucleotide variant.
Coding change: c.534A>C on transcript NM_032977.4 (MANE Select); coding-DNA position 534, A replaced by C.
Protein change: p.Val178=; no amino-acid change (valine 178 retained).
Molecular consequence: synonymous variant.
Genome position (GRCh38, 1-based): chr2:201,193,076, A>C. VCF-style: chr2-201193076-A-C. GRCh37 (hg19) VCF-style: chr2-202057799-A-C.
Other names: p.Val178=; c.534A>C, p.Val178= (NM_001206524.2, NM_001206542.2, NM_001230.5 and 3 more transcripts).
Identifiers: ClinVar variation 791121 (VCV000791121.19), dbSNP rs146233833, ClinGen allele CA2052895.